The following is an entry in ClinVar:

NM_020937.4(FANCM):c.4383C>G (p.Asn1461Lys)

Gene: FANCM (FA complementation group M; plus strand). Cytogenetic location: 14q21.2.
Variant type: single nucleotide variant.
Coding change: c.4383C>G on transcript NM_020937.4 (MANE Select); coding-DNA position 4383, C replaced by G.
Protein change: p.Asn1461Lys; replaces asparagine 1461 with lysine.
Molecular consequence: missense variant.
Genome position (GRCh38, 1-based): chr14:45,181,702, C>G. VCF-style: chr14-45181702-C-G. GRCh37 (hg19) VCF-style: chr14-45650905-C-G.
Other names: c.4305C>G, p.Asn1435Lys (NM_001308133.2); short protein forms N1435K, N1461K.
Identifiers: ClinVar variation 1716094 (VCV001716094.5), dbSNP rs2503214953, ClinGen allele CA389607391.

ClinVar aggregate classification (germline): Uncertain significance (1 of 4 stars; one submission).

Conditions:
Fanconi anemia (FA). Also called: Fanconi's anemia. Identifiers: Orphanet 84, MedGen C0015625, MeSH D005199, MONDO:0019391.

gnomAD v4.1: 1 of 1,598,306 alleles (0.000063%); highest among the groups gnomAD compares: South Asian, 0.0011%; no homozygotes.

Submission:

Labcorp Genetics (formerly Invitae), Labcorp
Classification: Uncertain significance for Fanconi anemia. Last evaluated: 2022-08-10. Review status: criteria provided, single submitter. Criteria: Invitae Variant Classification Sherloc (09022015). Collection method: clinical testing. Allele origin: germline.
Comment: In summary, the available evidence is currently insufficient to determine the role of this variant in disease. Therefore, it has been classified as a Variant of Uncertain Significance. This sequence change replaces asparagine, which is neutral and polar, with lysine, which is basic and polar, at codon 1461 of the FANCM protein (p.Asn1461Lys). This variant is not present in population databases (gnomAD no frequency). This variant has not been reported in the literature in individuals affected with FANCM-related conditions. Algorithms developed to predict the effect of missense changes on protein structure and function output the following: SIFT: "Tolerated"; PolyPhen-2: "Benign"; Align-GVGD: "Class C0". The lysine amino acid residue is found in multiple mammalian species, which suggests that this missense change does not adversely affect protein function. Algorithms developed to predict the effect of sequence changes on RNA splicing suggest that this variant may create or strengthen a splice site.